The following is an entry in ClinVar:

NM_001267550.2(TTN):c.33283dup (p.Ile11095fs)

Gene: TTN (titin; minus strand). Cytogenetic location: 2q31.2.
Variant type: Duplication.
Coding change: c.33283dup on transcript NM_001267550.2 (MANE Select); coding-DNA position 33283, one base duplicated (A; older notation c.33283dupA).
Protein change: p.Ile11095fs; shifts the reading frame from isoleucine 11095.
Molecular consequence: frameshift variant. On other transcripts: intron variant (3).
Genome position (GRCh38, 1-based): chr2:178,681,136, T duplicated on the plus strand (A on the coding strand, the reverse complement: TTN is on the minus strand); the first of 6 consecutive T bases (chr2:178,681,136-178,681,141); duplicating any one gives the same sequence. VCF-style (leftmost placement, unchanged base first): chr2-178681135-A-AT. GRCh37 (hg19) VCF-style: chr2-179545862-A-AT.
Other names: c.32332dup, p.Ile10778fs (NM_001256850.1); c.29551dup, p.Ile9851fs (NM_133378.4); c.13283-38819dup (NM_003319.4); c.13859-38819dup (NM_133437.4); c.13658-38819dup (NM_133432.3); short protein forms I10778fs, I11095fs, I9851fs.
Identifiers: ClinVar variation 1960077 (VCV001960077.7), dbSNP rs2069289146, ClinGen allele CA2573332305.

ClinVar aggregate classification (germline): Conflicting classifications of pathogenicity. Review status: criteria provided, conflicting classifications (1 of 4 stars). 3 submissions from 3 submitters: Likely pathogenic (1); Uncertain significance (2). Last evaluated 2025-05-06.

Conditions:
Dilated cardiomyopathy 1G (CMD1G). Identifiers: Orphanet 154, MedGen C1858763, MONDO:0011400, OMIM 604145.
Autosomal recessive limb-girdle muscular dystrophy type 2J (LGMDR10). Also called: Limb-girdle muscular dystrophy, type 2J; MUSCULAR DYSTROPHY, LIMB-GIRDLE, AUTOSOMAL RECESSIVE 10. Identifiers: Orphanet 140922, MedGen C1837342, MONDO:0012127, OMIM 608807.
Primary dilated cardiomyopathy (DCM). Also called: Dilated Cardiomyopathy. Identifiers: Orphanet 217604, MedGen C0007193, MeSH D002311, MONDO:0005021, HP:0001644. Inheritance: Various modes of inheritance.

Submissions (3):

Labcorp Genetics (formerly Invitae), Labcorp
Classification: Likely pathogenic for Dilated cardiomyopathy 1G; Autosomal recessive limb-girdle muscular dystrophy type 2J. Last evaluated: 2025-05-06. Review status: criteria provided, single submitter. Criteria: Invitae Variant Classification Sherloc (09022015). Collection method: clinical testing. Allele origin: germline.
Comment: This sequence change creates a premature translational stop signal (p.Ile11095Asnfs*9) in the TTN gene. While this is not anticipated to result in nonsense mediated decay, it is expected to create a truncated TTN protein. This variant is not present in population databases (gnomAD no frequency). This variant has not been reported in the literature in individuals affected with TTN-related conditions. ClinVar contains an entry for this variant (Variation ID: 1960077). Algorithms developed to predict the effect of sequence changes on RNA splicing suggest that this variant may disrupt the consensus splice site. This variant is located in the I band of TTN (PMID: 25589632). Truncating variants in this region have been reported in individuals affected with autosomal recessive centronuclear myopathy (PMID: 23975875, internal data). Truncating variants in this region have also been identified in individuals affected with autosomal dominant dilated cardiomyopathy and/or cardio-related conditions (PMID: 27869827, 32964742, internal data). In summary, the currently available evidence indicates that the variant is pathogenic, but additional data are needed to prove that conclusively. Therefore, this variant has been classified as Likely Pathogenic.

Blueprint Genetics
Classification: Uncertain significance. Last evaluated: 2022-09-29. Review status: criteria provided, single submitter. Criteria: ACMG Guidelines, 2015. Collection method: clinical testing. Allele origin: germline.

Cambridge Genomics Laboratory, East Genomic Laboratory Hub, NHS Genomic Medicine Service
Classification: Uncertain significance for Primary dilated cardiomyopathy. Last evaluated: 2019-04-17. Review status: criteria provided, single submitter. Criteria: ACGS Best Practice Guidelines for Variant Classification in Rare Disease 2020. Collection method: clinical testing. Allele origin: germline. Affected: yes. Observed: 1 variant allele.

Literature cited by the submitters: PubMed 25589632 (cited by Labcorp Genetics (formerly Invitae), Labcorp); PubMed 23975875 (cited by Labcorp Genetics (formerly Invitae), Labcorp); PubMed 27869827 (cited by Labcorp Genetics (formerly Invitae), Labcorp); PubMed 32964742 (cited by Labcorp Genetics (formerly Invitae), Labcorp).